The following is an entry in ClinVar:

ClinVar aggregate classification (germline): Uncertain significance (1 of 4 stars; one submission).

Submission:

GeneDx
Classification: Uncertain significance. Last evaluated: 2026-10-08. Review status: criteria provided, single submitter. Criteria: GeneDx Variant Classification Process June 2021. Collection method: clinical testing. Allele origin: germline.
Comment: Frameshift variant predicted to result in protein truncation or nonsense mediated decay in a gene or region of a gene for which loss of function is not a well-established mechanism of disease; Not observed at significant frequency in large population cohorts (gnomAD); Has not been previously published as pathogenic or benign to our knowledge

NM_003680.4(YARS1):c.1205_1206del (p.Val402fs)

Gene: YARS1 (tyrosyl-tRNA synthetase 1; minus strand). Cytogenetic location: 1p35.1.
Variant type: Microsatellite.
Coding change: c.1205_1206del on transcript NM_003680.4 (MANE Select); coding-DNA positions 1205 to 1206, 2 bases deleted (TG; older notation c.1205_1206delTG).
Protein change: p.Val402fs; shifts the reading frame from valine 402.
Molecular consequence: frameshift variant.
Genome position (GRCh38, 1-based): chr1:32,780,213-32,780,214, CA deleted on the plus strand (TG on the coding strand, the reverse complement: YARS1 is on the minus strand); deleting any 2 consecutive bases within chr1:32,780,213-32,780,216 gives the same sequence; the c. name uses the placement nearest the transcript's 3' end. VCF-style (leftmost placement, unchanged base first): chr1-32780212-CCA-C. GRCh37 (hg19) VCF-style: chr1-33245813-CCA-C.
Other names: c.1205_1206del (NM_003680.3); c.1203_1204TG[1], p.Val402Glyfs (NM_003680.3); short protein forms V402fs.
Identifiers: ClinVar variation 3767496 (VCV003767496.2).